The following is an entry in ClinVar:

NM_001130823.3(DNMT1):c.290A>G (p.His97Arg)

Gene: DNMT1 (DNA methyltransferase 1; minus strand). Cytogenetic location: 19p13.2.
Variant type: single nucleotide variant.
Coding change: c.290A>G on transcript NM_001130823.3 (MANE Select); coding-DNA position 290, A replaced by G.
Protein change: p.His97Arg; replaces histidine 97 with arginine.
Molecular consequence: missense variant. On other transcripts: 5 prime UTR variant (1).
Genome position (GRCh38, 1-based): chr19:10,180,505, T>C on the plus strand (A>G on the coding strand, the complement: DNMT1 is on the minus strand). VCF-style: chr19-10180505-T-C. GRCh37 (hg19) VCF-style: chr19-10291181-T-C.
Other names: c.290A>G, p.His97Arg (NM_001318730.2, NM_001379.4); c.-74A>G (NM_001318731.2); c.290A>G (LRG_362t1); short protein forms H97R.
Identifiers: ClinVar variation 257539 (VCV000257539.28), dbSNP rs16999593, ClinGen allele CA9188801.

ClinVar aggregate classification (germline): Benign/Likely benign. Review status: criteria provided, multiple submitters, no conflicts (2 of 4 stars). 12 submissions from 12 submitters: Benign (8); Likely benign (1). 3 of the submissions do not count toward it. Last evaluated 2026-02-03.

Conditions:
Hereditary sensory neuropathy-deafness-dementia syndrome. Also called: HSN IE; Hereditary sensory neuropathy type IE; NEUROPATHY, HEREDITARY SENSORY, WITH HEARING LOSS AND DEMENTIA; Hereditary Sensory and Autonomic Neuropathy Type 1E (HSAN1E). Identifiers: Orphanet 456318, MedGen C3279885, MONDO:0013584, OMIM 614116.

Allele frequency attached by ClinVar (database versions not stated): 1000 Genomes Project 30x 0.04325; 1000 Genomes Project 0.04513; ESP Exome Variant Server 0.00154; gnomAD exomes 0.00761 and 0.02447; gnomAD 0.00959 and 0.01205; TOPMed 0.01600; ExAC 0.02172.
gnomAD v4.1: 13,306 of 1,614,168 alleles (0.82%); highest among the groups gnomAD compares: East Asian, 19%; 1,034 homozygotes.

Submissions (12):

Labcorp Genetics (formerly Invitae), Labcorp
Classification: Benign for Hereditary sensory neuropathy-deafness-dementia syndrome. Last evaluated: 2026-02-03. Review status: criteria provided, single submitter. Criteria: Invitae Variant Classification Sherloc (09022015). Collection method: clinical testing. Allele origin: germline.

Blueprint Genetics
Classification: Likely benign. Last evaluated: 2024-11-27. Review status: criteria provided, single submitter. Criteria: ACMG Guidelines, 2015. Collection method: clinical testing. Allele origin: germline.

Athena Diagnostics
Classification: Benign. Last evaluated: 2018-08-30. Review status: criteria provided, single submitter. Criteria: Athena Diagnostics Criteria. Collection method: clinical testing. Allele origin: germline.

Illumina Laboratory Services, Illumina
Classification: Benign for Hereditary sensory neuropathy-deafness-dementia syndrome. Last evaluated: 2018-01-13. Review status: criteria provided, single submitter. Criteria: ICSL Variant Classification Criteria 13 December 2019. Collection method: clinical testing. Allele origin: germline.
Comment: This variant was observed in the ICSL laboratory as part of a predisposition screen in an ostensibly healthy population. It had not been previously curated by ICSL or reported in the Human Gene Mutation Database (HGMD: prior to June 1st, 2018), and was therefore a candidate for classification through an automated scoring system. Utilizing variant allele frequency, disease prevalence and penetrance estimates, and inheritance mode, an automated score was calculated to assess if this variant is too frequent to cause the disease. Based on the score and internal cut-off values, a variant classified as benign is not then subjected to further curation. The score for this variant resulted in a classification of benign for this disease.

Mayo Clinic Laboratories, Mayo Clinic
Classification: Benign. Last evaluated: 2017-01-13. Review status: criteria provided, single submitter. Criteria: ACMG Guidelines, 2015. Collection method: clinical testing. Allele origin: germline. Observed: 33 variant alleles.

Eurofins Ntd Llc (ga)
Classification: Benign. Last evaluated: 2015-09-14. Review status: criteria provided, single submitter. Criteria: EGL Classification Definitions 2015. Collection method: clinical testing. Allele origin: germline. Observed: 1 variant allele, 1 heterozygote.

GeneDx
Classification: Benign. Last evaluated: 2015-03-03. Review status: criteria provided, single submitter. Criteria: GeneDx Variant Classification Process June 2021. Collection method: clinical testing. Allele origin: germline. Affected: yes.

Breakthrough Genomics
Classification: Benign. Review status: criteria provided, single submitter. Criteria: ACMG Guidelines, 2015. Collection method: not provided. Allele origin: germline. Inheritance: Autosomal dominant inheritance. Affected: yes.

PreventionGenetics, part of Exact Sciences
Classification: Benign. Review status: criteria provided, single submitter. Criteria: ACMG Guidelines, 2015. Collection method: clinical testing. Allele origin: germline.

Clinical Genetics DNA and cytogenetics Diagnostics Lab, Erasmus MC, Erasmus Medical Center
Classification: Likely benign. Review status: no assertion criteria provided. Collection method: clinical testing. Allele origin: germline. Affected: yes. Study: VKGL Data-share Consensus. Not counted in ClinVar's aggregate classification.

Clinical Genetics, Academic Medical Center
Classification: Benign. Review status: no assertion criteria provided. Collection method: clinical testing. Allele origin: germline. Affected: yes. Study: VKGL Data-share Consensus. Not counted in ClinVar's aggregate classification.

Laboratory of Diagnostic Genome Analysis, Leiden University Medical Center (LUMC)
Classification: Likely benign. Review status: no assertion criteria provided. Collection method: clinical testing. Allele origin: germline. Affected: yes. Study: VKGL Data-share Consensus. Not counted in ClinVar's aggregate classification.